The following is an entry in ClinVar:

ClinVar aggregate classification (germline): Uncertain significance (1 of 4 stars; one submission).

Conditions:
RORB-related disorder. Also called: RORB-related condition.

Submission:

PreventionGenetics, part of Exact Sciences
Classification: Uncertain significance for RORB-related condition. Last evaluated: 2022-09-09. Review status: criteria provided, single submitter. Criteria: ACMG Guidelines, 2015. Collection method: clinical testing. Allele origin: germline.
Comment: The RORB c.691A>C variant is predicted to result in the amino acid substitution p.Met231Leu. To our knowledge, this variant has not been reported in the literature or in a large population database, indicating this variant is rare. At this time, the clinical significance of this variant is uncertain due to the absence of conclusive functional and genetic evidence.

NM_006914.4(RORB):c.691A>C (p.Met231Leu)

Gene: RORB (RAR related orphan receptor B; plus strand). Cytogenetic location: 9q21.13.
Variant type: single nucleotide variant.
Coding change: c.691A>C on transcript NM_006914.4 (MANE Select); coding-DNA position 691, A replaced by C.
Protein change: p.Met231Leu; replaces methionine 231 with leucine.
Molecular consequence: missense variant.
Genome position (GRCh38, 1-based): chr9:74,660,670, A>C. VCF-style: chr9-74660670-A-C. GRCh37 (hg19) VCF-style: chr9-77275586-A-C.
Other names: c.724A>C, p.Met242Leu (NM_001365023.1); short protein forms M231L, M242L.
Identifiers: ClinVar variation 2636471 (VCV002636471.1), dbSNP rs2489621781, ClinGen allele CA373770470.
Genomic context (GRCh38, chr9:74,660,670, plus strand): 5'-CTCACAGACCGAATTGCACAGAACATCATTAAGTCCCATTTGGAGACATGTCAATACACC[A>C]TGGAAGAGCTGCACCAGCTGGCGTGGCAGACCCACACCTATGAAGAAATTAAAGCATATC-3'
Protein context (NP_008845.2, residues 221-241): KSHLETCQYT[Met231Leu]EELHQLAWQT